The following is an entry in ClinVar:

ClinVar aggregate classification (germline): Likely pathogenic (0 of 4 stars; one submission).

Conditions:
SZT2-related disorder. Also called: SZT2-related condition.

Submission:

PreventionGenetics, part of Exact Sciences
Classification: Likely pathogenic for SZT2-related condition. Last evaluated: 2024-04-18. Review status: no assertion criteria provided. Collection method: clinical testing. Allele origin: germline.
Comment: The SZT2 c.4954_4969dup16 variant is predicted to result in a frameshift and premature protein termination (p.Ile1657Thrfs*21). To our knowledge, this variant has not been reported in the literature or in a large population database, indicating this variant is rare. Frameshift variants in SZT2 are expected to be pathogenic. This variant is interpreted as likely pathogenic.

NM_001365999.1(SZT2):c.5125_5140dup (p.Ile1714fs)

Gene: SZT2 (SZT2 subunit of KICSTOR complex; plus strand). Cytogenetic location: 1p34.2.
Variant type: Duplication.
Coding change: c.5125_5140dup on transcript NM_001365999.1 (MANE Select); coding-DNA positions 5125 to 5140, 16 bases duplicated (CTCCGAAGAGGGGGCA).
Protein change: p.Ile1714fs; shifts the reading frame from isoleucine 1714.
Molecular consequence: frameshift variant.
Genome position (GRCh38, 1-based): chr1:43,431,752-43,431,767, CTCCGAAGAGGGGGCA duplicated; duplicating any 16 consecutive bases within chr1:43,431,745-43,431,767 gives the same sequence; the c. name uses the placement nearest the transcript's 3' end. VCF-style (leftmost placement, unchanged base first): chr1-43431744-T-TGGGGGCACTCCGAAGA. GRCh37 (hg19) VCF-style: chr1-43897415-T-TGGGGGCACTCCGAAGA.
Other names: c.4954_4969dup, p.Ile1657fs (NM_015284.4); short protein forms I1657fs, I1714fs.
Identifiers: ClinVar variation 3344386 (VCV003344386.1).